The following is an entry in ClinVar:

ClinVar aggregate classification (germline): Conflicting classifications of pathogenicity. Review status: criteria provided, conflicting classifications (1 of 4 stars). 2 submissions from 2 submitters: Uncertain significance (1); Likely benign (1). Last evaluated 2026-01-17.

Conditions:
Currarino triad. Identifiers: Orphanet 1552, MedGen C1531773, MONDO:0008305, OMIM 176450.

Allele frequency attached by ClinVar (database versions not stated): gnomAD 0.00006; gnomAD exomes 0.00009.
gnomAD v4.1: 103 of 1,204,564 alleles (0.0086%); highest among the groups gnomAD compares: Middle Eastern, 0.033%; no homozygotes.

Submissions (2):

Labcorp Genetics (formerly Invitae), Labcorp
Classification: Uncertain significance. Last evaluated: 2026-01-17. Review status: criteria provided, single submitter. Criteria: Invitae Variant Classification Sherloc (09022015). Collection method: clinical testing. Allele origin: germline.
Comment: This sequence change replaces serine, which is neutral and polar, with threonine, which is neutral and polar, at codon 55 of the MNX1 protein (p.Ser55Thr). The frequency data for this variant in the population databases is considered unreliable, as metrics indicate insufficient coverage at this position in the gnomAD database. This variant has not been reported in the literature in individuals affected with MNX1-related conditions. ClinVar contains an entry for this variant (Variation ID: 2151241). Experimental studies and prediction algorithms are not available or were not evaluated, and the functional significance of this variant is currently unknown. In summary, the available evidence is currently insufficient to determine the role of this variant in disease. Therefore, it has been classified as a Variant of Uncertain Significance.

Fulgent Genetics
Classification: Likely benign for Currarino triad. Last evaluated: 2024-06-17. Review status: criteria provided, single submitter. Criteria: ACMG Guidelines, 2015. Collection method: clinical testing. Allele origin: germline.

NM_005515.4(MNX1):c.164G>C (p.Ser55Thr)

Gene: MNX1 (motor neuron and pancreas homeobox 1; minus strand). Cytogenetic location: 7q36.3.
Variant type: single nucleotide variant.
Coding change: c.164G>C on transcript NM_005515.4 (MANE Select); coding-DNA position 164, G replaced by C.
Protein change: p.Ser55Thr; replaces serine 55 with threonine.
Molecular consequence: missense variant.
Genome position (GRCh38, 1-based): chr7:157,010,187, C>G on the plus strand (G>C on the coding strand, the complement: MNX1 is on the minus strand). VCF-style: chr7-157010187-C-G. GRCh37 (hg19) VCF-style: chr7-156802881-C-G.
Other names: short protein forms S55T.
Identifiers: ClinVar variation 2151241 (VCV002151241.5), dbSNP rs866277517, ClinGen allele CA169871058.
Genomic context (GRCh38, chr7:157,010,187, plus strand): 5'-GCGCGCAGGCGGTCGGCGGGCGCAGCCGGCGGCTCCGAGGACGCGGGGCTGCAGCTGCCG[C>G]TAGTCCCGCCGCTCGCCCCGCCGCCGCCGCCGCCACCTCCGGTGCCAGATGCGGCGGCGG-3'
Protein context (NP_005506.3, residues 45-65): GGGGGASGGT[Ser55Thr]GSCSPASSEP